The following is an entry in ClinVar:

ClinVar aggregate classification (germline): Uncertain significance. Review status: criteria provided, multiple submitters, no conflicts (2 of 4 stars). 2 submissions from 2 submitters: Uncertain significance (2). Last evaluated 2025-05-03.

Conditions:
Inborn genetic diseases. Identifiers: MedGen C0950123, MeSH D030342.

gnomAD v4.1: 5 of 1,613,758 alleles (0.00031%); highest among the groups gnomAD compares: African/African-American, 0.004%; no homozygotes.

Submissions (2):

Ambry Genetics
Classification: Uncertain significance for Inborn genetic diseases. Last evaluated: 2025-05-03. Review status: criteria provided, single submitter. Criteria: Ambry Variant Classification Scheme 2023. Collection method: clinical testing. Allele origin: germline.

GeneDx
Classification: Uncertain significance. Last evaluated: 2024-01-02. Review status: criteria provided, single submitter. Criteria: GeneDx Variant Classification Process June 2021. Collection method: clinical testing. Allele origin: germline. Affected: yes.
Comment: In silico analysis supports that this missense variant does not alter protein structure/function; Has not been previously published as pathogenic or benign to our knowledge

NM_198060.4(NRAP):c.2419T>C (p.Phe807Leu)

Gene: NRAP (nebulin related anchoring protein; minus strand). Cytogenetic location: 10q25.3.
Variant type: single nucleotide variant.
Coding change: c.2419T>C on transcript NM_198060.4 (MANE Select); coding-DNA position 2419, T replaced by C.
Protein change: p.Phe807Leu; replaces phenylalanine 807 with leucine.
Molecular consequence: missense variant. On other transcripts: intron variant (1).
Genome position (GRCh38, 1-based): chr10:113,623,567, A>G on the plus strand (T>C on the coding strand, the complement: NRAP is on the minus strand). VCF-style: chr10-113623567-A-G. GRCh37 (hg19) VCF-style: chr10-115383326-A-G.
Other names: c.2419T>C, p.Phe807Leu (NM_001261463.2); c.2314T>C, p.Phe772Leu (NM_006175.5); c.2349+1259T>C (NM_001322945.2); c.2419T>C (NM_198060.2); short protein forms F772L, F807L.
Identifiers: ClinVar variation 3367387 (VCV003367387.2).
Genomic context (GRCh38, chr10:113,623,567, plus strand): 5'-TACAAGGTGGGGACAGACTCACCTCGCTAGCCAGGTCCCTCTTGGCTTTGGCTGCCAGGA[A>G]GGTCAAGGAATCAAGACGCAGCTCAAACCCTTTTGCTTTCTGGTTTTCCCAGCTGCTCTT-3'
Protein context (NP_932326.2, residues 797-817): GFELRLDSLT[Phe807Leu]LAAKAKRDLA